The following is an entry in ClinVar:

ClinVar aggregate classification (germline): Uncertain significance (1 of 4 stars; one submission).

Conditions:
Hereditary nonpolyposis colorectal neoplasms. Identifiers: MedGen C0009405, MeSH D003123.

Submission:

Labcorp Genetics (formerly Invitae), Labcorp
Classification: Uncertain significance for Hereditary nonpolyposis colorectal neoplasms. Last evaluated: 2017-09-05. Review status: criteria provided, single submitter. Criteria: Invitae Variant Classification Sherloc (09022015). Collection method: clinical testing. Allele origin: germline.
Comment: In summary, the available evidence is currently insufficient to determine the role of this variant in disease. Therefore, it has been classified as a Variant of Uncertain Significance. Algorithms developed to predict the effect of missense changes on protein structure and function (SIFT, PolyPhen-2, Align-GVGD) all suggest that this variant is likely to be tolerated, but these predictions have not been confirmed by published functional studies and their clinical significance is uncertain. This variant has not been reported in the literature in individuals with PMS2-related disease. This variant is not present in population databases (ExAC no frequency). This sequence change replaces histidine with tyrosine at codon 428 of the PMS2 protein (p.His428Tyr). The histidine residue is weakly conserved and there is a moderate physicochemical difference between histidine and tyrosine.

NM_000535.7(PMS2):c.1282C>T (p.His428Tyr)

Gene: PMS2 (PMS1 homolog 2, mismatch repair system component; minus strand). Cytogenetic location: 7p22.1.
Variant type: single nucleotide variant.
Coding change: c.1282C>T on transcript NM_000535.7 (MANE Select); coding-DNA position 1282, C replaced by T.
Protein change: p.His428Tyr; replaces histidine 428 with tyrosine.
Molecular consequence: missense variant. On other transcripts: non-coding transcript variant (1).
Genome position (GRCh38, 1-based): chr7:5,987,483, G>A on the plus strand (C>T on the coding strand, the complement: PMS2 is on the minus strand). VCF-style: chr7-5987483-G-A. GRCh37 (hg19) VCF-style: chr7-6027114-G-A.
Other names: c.877C>T, p.His293Tyr (NM_001322003.2, NM_001322004.2, NM_001322005.2 and 1 more transcripts); c.1126C>T, p.His376Tyr (NM_001322006.2); c.964C>T, p.His322Tyr (NM_001322007.2, NM_001322008.2); c.721C>T, p.His241Tyr (NM_001322010.2); c.349C>T, p.His117Tyr (NM_001322011.2, NM_001322012.2); c.709C>T, p.His237Tyr (NM_001322013.2); c.1282C>T, p.His428Tyr (NM_001322014.2); c.973C>T, p.His325Tyr (NM_001322015.2); short protein forms H428Y, H237Y, H322Y, H117Y, H241Y, H293Y, H325Y, H376Y.
Identifiers: ClinVar variation 525732 (VCV000525732.8), dbSNP rs1554297948, ClinGen allele CA366742422.